The following is an entry in ClinVar:

ClinVar aggregate classification (germline): Likely benign. Review status: criteria provided, multiple submitters, no conflicts (2 of 4 stars). 2 submissions from 2 submitters: Likely benign (2). Last evaluated 2025-06-25.

Conditions:
APC-related disorder. Also called: APC-related condition.

Allele frequency attached by ClinVar (database versions not stated): TOPMed below 0.00001.
gnomAD v4.1: 1 of 152,238 alleles (0.00066%); highest among the groups gnomAD compares: South Asian, 0.021%; no homozygotes.

Submissions (2):

PreventionGenetics, part of Exact Sciences
Classification: Likely benign for APC-related condition. Last evaluated: 2025-06-25. Review status: criteria provided, single submitter. Criteria: ACMG Guidelines, 2015. Collection method: clinical testing. Allele origin: germline.
Comment: This variant is classified as likely benign based on ACMG/AMP sequence variant interpretation guidelines (Richards et al. 2015 PMID: 25741868, with internal and published modifications).

GeneDx
Classification: Likely benign. Last evaluated: 2017-10-16. Review status: criteria provided, single submitter. Criteria: GeneDx Variant Classification (06012015). Collection method: clinical testing. Allele origin: germline. Affected: yes.
Comment: This variant is considered likely benign or benign based on one or more of the following criteria: it is a conservative change, it occurs at a poorly conserved position in the protein, it is predicted to be benign by multiple in silico algorithms, and/or has population frequency not consistent with disease.

NM_001127511.3(APC):c.166-28674G>A

Gene: APC (APC regulator of Wnt signaling pathway; plus strand). Cytogenetic location: 5q22.2.
Variant type: single nucleotide variant.
Coding change: c.166-28674G>A on transcript NM_001127511.3; 28674 bases into the intron before coding-DNA position 166, G replaced by A.
Molecular consequence: intron variant.
Genome position (GRCh38, 1-based): chr5:112,737,652, G>A. VCF-style: chr5-112737652-G-A. GRCh37 (hg19) VCF-style: chr5-112073349-G-A.
Other names: c.-1053-17221G>A (NM_001407470.1, NM_001407472.1); c.-18-17221G>A (NM_001407447.1, NM_001354895.2, NM_001407456.1 and 7 more transcripts); c.166-28674G>A (NM_001407446.1, NM_001354897.2, NM_001354902.2); c.-42-28674G>A (NM_001407453.1).
Identifiers: ClinVar variation 512680 (VCV000512680.4), dbSNP rs1340025419, ClinGen allele CA658796561.